The following is an entry in ClinVar:

ClinVar aggregate classification (germline): Uncertain significance. Review status: criteria provided, multiple submitters, no conflicts (2 of 4 stars). 2 submissions from 2 submitters: Uncertain significance (2). Last evaluated 2025-08-09.

Conditions:
Cardiovascular phenotype. Identifiers: MedGen CN230736.

gnomAD v4.1: 3 of 1,614,216 alleles (0.00019%); highest among the groups gnomAD compares: Non-Finnish European, 0.000085%; no homozygotes.

Submissions (2):

Ambry Genetics
Classification: Uncertain significance for Cardiovascular phenotype. Last evaluated: 2025-08-09. Review status: criteria provided, single submitter. Criteria: Ambry Variant Classification Scheme 2023. Collection method: clinical testing. Allele origin: germline.
Comment: The p.A1320T variant (also known as c.3958G>A), located in coding exon 25 of the APOB gene, results from a G to A substitution at nucleotide position 3958. The alanine at codon 1320 is replaced by threonine, an amino acid with similar properties. This amino acid position is conserved. In addition, this alteration is predicted to be tolerated by in silico analysis. Based on the available evidence, the clinical significance of this variant remains unclear.

Molecular Diagnostic Laboratory for Inherited Cardiovascular Disease, Montreal Heart Institute
Classification: Uncertain significance for Cardiovascular phenotype. Last evaluated: 2025-04-09. Review status: criteria provided, single submitter. Criteria: ACMG Guidelines, 2015. Collection method: clinical testing. Allele origin: germline. Affected: yes.

NM_000384.3(APOB):c.3958G>A (p.Ala1320Thr)

Gene: APOB (apolipoprotein B; minus strand). Cytogenetic location: 2p24.1.
Variant type: single nucleotide variant.
Coding change: c.3958G>A on transcript NM_000384.3 (MANE Select); coding-DNA position 3958, G replaced by A.
Protein change: p.Ala1320Thr; replaces alanine 1320 with threonine.
Molecular consequence: missense variant.
Genome position (GRCh38, 1-based): chr2:21,013,418, C>T on the plus strand (G>A on the coding strand, the complement: APOB is on the minus strand). VCF-style: chr2-21013418-C-T. GRCh37 (hg19) VCF-style: chr2-21236290-C-T.
Other names: short protein forms A1320T.
Identifiers: ClinVar variation 3894784 (VCV003894784.2).